The following is an entry in ClinVar:

NM_001267550.2(TTN):c.92170G>C (p.Gly30724Arg)

Genes: TTN (titin; minus strand), TTN-AS1 (TTN antisense RNA 1; plus strand). Cytogenetic location: 2q31.2.
Variant type: single nucleotide variant.
Coding change: c.92170G>C on transcript NM_001267550.2 (MANE Select); coding-DNA position 92170, G replaced by C.
Protein change: p.Gly30724Arg; replaces glycine 30724 with arginine.
Molecular consequence: missense variant.
Genome position (GRCh38, 1-based): chr2:178,549,456, C>G on the plus strand (G>C on the coding strand, the complement: TTN is on the minus strand). VCF-style: chr2-178549456-C-G. GRCh37 (hg19) VCF-style: chr2-179414183-C-G.
Other names: c.87247G>C, p.Gly29083Arg (NM_001256850.1); c.64975G>C, p.Gly21659Arg (NM_003319.4); c.84466G>C, p.Gly28156Arg (NM_133378.4); c.65350G>C, p.Gly21784Arg (NM_133432.3); c.65551G>C, p.Gly21851Arg (NM_133437.4); c.92170G>C (NM_001267550.1); short protein forms G28156R, G30724R, G29083R, G21784R, G21851R, G21659R.
Identifiers: ClinVar variation 501819 (VCV000501819.13), dbSNP rs370928582, ClinGen allele CA1987472.

ClinVar aggregate classification (germline): Uncertain significance. Review status: criteria provided, multiple submitters, no conflicts (2 of 4 stars). 6 submissions from 6 submitters: Uncertain significance (6). Last evaluated 2025-12-09.

Conditions:
TTN-related disorder. Also called: TTN-related condition; TTN-related disease; TTN-related disorders.
Cardiovascular phenotype. Identifiers: MedGen CN230736.
Myopathy, myofibrillar, 9, with early respiratory failure (MFM9). Also called: Hereditary myopathy with early respiratory failure; EDSTROM MYOPATHY; MYOPATHY, PROXIMAL, WITH EARLY RESPIRATORY MUSCLE INVOLVEMENT; Myopathy, distal, with early respiratory failure, autosomal dominant. Identifiers: Orphanet 178464, Orphanet 34521, MedGen C1863599, MONDO:0011362, OMIM 603689.
Autosomal recessive limb-girdle muscular dystrophy type 2J (LGMDR10). Also called: Limb-girdle muscular dystrophy, type 2J; MUSCULAR DYSTROPHY, LIMB-GIRDLE, AUTOSOMAL RECESSIVE 10. Identifiers: Orphanet 140922, MedGen C1837342, MONDO:0012127, OMIM 608807.
Dilated cardiomyopathy 1G (CMD1G). Identifiers: Orphanet 154, MedGen C1858763, MONDO:0011400, OMIM 604145.
Early-onset myopathy with fatal cardiomyopathy (CMYO5). Also called: Salih Myopathy; CONGENITAL MYOPATHY 5 WITH CARDIOMYOPATHY. Identifiers: Orphanet 289377, MedGen C2673677, MONDO:0012714, OMIM 611705. Disease mechanism: loss of function.
Tibial muscular dystrophy (TMD). Also called: Udd Distal Myopathy – Tibial Muscular Dystrophy; UDD MYOPATHY; Tibial muscular dystrophy, tardive. Identifiers: Orphanet 609, MedGen C1838244, MONDO:0010870, OMIM 600334.
Hypertrophic cardiomyopathy 9. Also called: Familial hypertrophic cardiomyopathy 9. Identifiers: MedGen C1861065, MONDO:0013412, OMIM 613765.

Allele frequency attached by ClinVar (database versions not stated): ESP Exome Variant Server 0.00008; TOPMed 0.00009; gnomAD 0.00012 and 0.00013.
gnomAD v4.1: 25 of 1,604,382 alleles (0.0016%); highest among the groups gnomAD compares: African/African-American, 0.031%; no homozygotes.

Submissions (6):

PreventionGenetics, part of Exact Sciences
Classification: Uncertain significance for TTN-related condition. Last evaluated: 2025-12-09. Review status: criteria provided, single submitter. Criteria: ACMG Guidelines, 2015. Collection method: clinical testing. Allele origin: germline.
Comment: The TTN c.92170G>C variant is predicted to result in the amino acid substitution p.Gly30724Arg. To our knowledge, this variant has not been reported in the literature. This variant is reported in 0.021% of alleles in individuals of African descent in gnomAD. At this time, the clinical significance of this variant is uncertain due to the absence of conclusive functional and genetic evidence.

GeneDx
Classification: Uncertain significance. Last evaluated: 2024-06-03. Review status: criteria provided, single submitter. Criteria: GeneDx Variant Classification Process June 2021. Collection method: clinical testing. Allele origin: germline. Affected: yes.
Comment: Not observed at significant frequency in large population cohorts (gnomAD); Missense variant in a gene in which most reported pathogenic variants are truncating/loss of function; Has not been previously published as pathogenic or benign to our knowledge; This variant is associated with the following publications: (PMID: 23975875)

Fulgent Genetics
Classification: Uncertain significance for Tibial muscular dystrophy; Myopathy, myofibrillar, 9, with early respiratory failure; Dilated cardiomyopathy 1G; Autosomal recessive limb-girdle muscular dystrophy type 2J; Early-onset myopathy with fatal cardiomyopathy; Hypertrophic cardiomyopathy 9. Last evaluated: 2021-10-20. Review status: criteria provided, single submitter. Criteria: ACMG Guidelines, 2015. Collection method: clinical testing. Allele origin: unknown.

Revvity Omics, Revvity
Classification: Uncertain significance. Last evaluated: 2021-08-09. Review status: criteria provided, single submitter. Criteria: ACMG Guidelines, 2015. Collection method: clinical testing. Allele origin: germline.

Ambry Genetics
Classification: Uncertain significance for Cardiovascular phenotype. Last evaluated: 2020-03-03. Review status: criteria provided, single submitter. Criteria: Ambry Variant Classification Scheme 2023. Collection method: clinical testing. Allele origin: germline.
Comment: The p.G21659R variant (also known as c.64975G>C), located in coding exon 166 of the TTN gene, results from a G to C substitution at nucleotide position 64975. The glycine at codon 21659 is replaced by arginine, an amino acid with dissimilar properties. This amino acid position is highly conserved in available vertebrate species. In addition, this alteration is predicted to be tolerated by in silico analysis. Since supporting evidence is limited at this time, the clinical significance of this alteration remains unclear.

Eurofins Ntd Llc (ga)
Classification: Uncertain significance. Last evaluated: 2017-05-04. Review status: criteria provided, single submitter. Criteria: EGL Classification Definitions 2015. Collection method: clinical testing. Allele origin: germline. Observed: 1 variant allele, 1 heterozygote.